The following is an entry in ClinVar:

NM_002900.3(RBP3):c.760G>T (p.Val254Leu)

Gene: RBP3 (retinol binding protein 3; plus strand). Cytogenetic location: 10q11.22.
Variant type: single nucleotide variant.
Coding change: c.760G>T on transcript NM_002900.3 (MANE Select); coding-DNA position 760, G replaced by T.
Protein change: p.Val254Leu; replaces valine 254 with leucine.
Molecular consequence: missense variant.
Genome position (GRCh38, 1-based): chr10:47,349,244, G>T. VCF-style: chr10-47349244-G-T. GRCh37 (hg19) VCF-style: chr10-48390118-C-A.
Other names: short protein forms V254L.
Identifiers: ClinVar variation 942522 (VCV000942522.6), dbSNP rs782150414, ClinGen allele CA376666409.

ClinVar aggregate classification (germline): Uncertain significance (1 of 4 stars; one submission).

Allele frequency attached by ClinVar (database versions not stated): TOPMed 0.00008.

Submission:

Labcorp Genetics (formerly Invitae), Labcorp
Classification: Uncertain significance. Last evaluated: 2021-08-31. Review status: criteria provided, single submitter. Criteria: Invitae Variant Classification Sherloc (09022015). Collection method: clinical testing. Allele origin: germline.
Comment: This sequence change replaces valine with leucine at codon 254 of the RBP3 protein (p.Val254Leu). The valine residue is highly conserved and there is a small physicochemical difference between valine and leucine. This variant is not present in population databases (ExAC no frequency). This variant has not been reported in the literature in individuals affected with RBP3-related conditions. Algorithms developed to predict the effect of missense changes on protein structure and function are either unavailable or do not agree on the potential impact of this missense change (SIFT: "Deleterious"; PolyPhen-2: "Probably Damaging"; Align-GVGD: "Class C0"). In summary, the available evidence is currently insufficient to determine the role of this variant in disease. Therefore, it has been classified as a Variant of Uncertain Significance.